The following is an entry in ClinVar:

ClinVar aggregate classification (germline): Likely pathogenic. Review status: criteria provided, multiple submitters, no conflicts (2 of 4 stars). 2 submissions from 2 submitters: Likely pathogenic (2). Last evaluated 2021-05-11.

Conditions:
Cardiovascular phenotype. Identifiers: MedGen CN230736.
Charcot-Marie-Tooth disease type 2. Also called: Charcot-Marie-Tooth type 2. Identifiers: Orphanet 64746, MedGen C0270914, MONDO:0018993.

Submissions (2):

Ambry Genetics
Classification: Likely pathogenic for Cardiovascular phenotype. Last evaluated: 2021-05-11. Review status: criteria provided, single submitter. Criteria: Ambry Variant Classification Scheme 2023. Collection method: clinical testing. Allele origin: germline.
Comment: The c.937-1G>A intronic variant results from a G to A substitution one nucleotide upstream from coding exon 6 of the LMNA gene. This variant is considered to be rare based on population cohorts in the Genome Aggregation Database (gnomAD). This nucleotide position is highly conserved in available vertebrate species. In silico splice site analysis predicts that this alteration will weaken the native splice acceptor site and will result in the creation or strengthening of a novel splice acceptor site. Alterations that disrupt the canonical splice site are expected to cause aberrant splicing, resulting in an abnormal protein or a transcript that is subject to nonsense-mediated mRNA decay. As such, this alteration is classified as likely pathogenic.

Labcorp Genetics (formerly Invitae), Labcorp
Classification: Likely pathogenic for Charcot-Marie-Tooth disease type 2. Last evaluated: 2019-06-24. Review status: criteria provided, single submitter. Criteria: Invitae Variant Classification Sherloc (09022015). Collection method: clinical testing. Allele origin: germline.
Comment: This sequence change affects an acceptor splice site in intron 5 of the LMNA gene. It is expected to disrupt RNA splicing and likely results in an absent or disrupted protein product. This variant is not present in population databases (ExAC no frequency). This variant has not been reported in the literature in individuals with LMNA-related disease. Algorithms developed to predict the effect of sequence changes on RNA splicing suggest that this variant may disrupt the consensus splice site, but this prediction has not been confirmed by published transcriptional studies. Donor and acceptor splice site variants typically lead to a loss of protein function (PMID: 16199547), and loss-of-function variants in LMNA are known to be pathogenic (PMID: 18585512, 18926329). In summary, the currently available evidence indicates that the variant is pathogenic, but additional data are needed to prove that conclusively. Therefore, this variant has been classified as Likely Pathogenic.

Literature cited by the submitters: PubMed 18926329 (cited by Labcorp Genetics (formerly Invitae), Labcorp); PubMed 18585512 (cited by Labcorp Genetics (formerly Invitae), Labcorp).

NM_170707.4(LMNA):c.937-1G>A

Gene: LMNA (lamin A/C; plus strand). Cytogenetic location: 1q22.
Variant type: single nucleotide variant.
Coding change: c.937-1G>A on transcript NM_170707.4 (MANE Select); the canonical splice acceptor site of the intron before coding-DNA position 937, G replaced by A.
Molecular consequence: splice acceptor variant. On other transcripts: synonymous variant (4).
Genome position (GRCh38, 1-based): chr1:156,135,900, G>A. VCF-style: chr1-156135900-G-A. GRCh37 (hg19) VCF-style: chr1-156105691-G-A.
Other names: c.312G>A, p.Gln104= (NM_001406994.1, NM_001406999.1, NM_001407000.1 and 1 more transcripts); c.937-1G>A (NM_001406983.1, NM_001282625.2, NM_001406984.1 and 6 more transcripts); c.379-1G>A (NM_001407002.1, NM_001406993.1, NM_001407003.1 and 4 more transcripts); c.694-1G>A (NM_001406986.1, NM_001406987.1, NM_001282624.2); c.601-1G>A (NM_001406989.1, NM_001257374.3, NM_001406998.1); c.640-1G>A (NM_001406988.1).
Identifiers: ClinVar variation 543191 (VCV000543191.4), dbSNP rs1553265606, ClinGen allele CA342819711.